The following is an entry in ClinVar:

ClinVar aggregate classification (germline): Benign. Review status: criteria provided, multiple submitters, no conflicts (2 of 4 stars). 6 submissions from 5 submitters: Benign (5). 1 of the submissions does not count toward it. Last evaluated 2021-07-14.

Conditions:
Spinal muscular atrophy-progressive myoclonic epilepsy syndrome. Also called: Hereditary myoclonus and progressive distal muscular atrophy; Spinal Muscular Atrophy with Progressive Myoclonic Epilepsy (SMA-PME); Spinal muscular atrophy with progressive myoclonic epilepsy; MYOCLONUS, HEREDITARY, WITH PROGRESSIVE DISTAL MUSCULAR ATROPHY. Identifiers: Orphanet 2590, MedGen C1834569, MONDO:0008045, OMIM 159950.
Farber lipogranulomatosis (FRBRL). Also called: Farber's lipogranulomatosis; AC DEFICIENCY; ACID CERAMIDASE DEFICIENCY; CERAMIDASE DEFICIENCY; N-LAURYLSPHINGOSINE DEACYLASE DEFICIENCY; Farber's disease. Identifiers: Orphanet 333, MedGen C0268255, MONDO:0009218, OMIM 228000.

Allele frequency attached by ClinVar (database versions not stated): 1000 Genomes Project 30x 0.42005; 1000 Genomes Project 0.42033; gnomAD 0.42360 and 0.42842; ESP Exome Variant Server 0.42379; TOPMed 0.43391; gnomAD exomes 0.49428; ExAC 0.52437.
gnomAD v4.1: 703,124 of 1,467,130 alleles (48%); highest among the groups gnomAD compares: Admixed American, 61%; 172,590 homozygotes.

Submissions (6):

Genome-Nilou Lab
Classification: Benign for Farber lipogranulomatosis. Last evaluated: 2021-07-14. Review status: criteria provided, single submitter. Criteria: ACMG Guidelines, 2015. Collection method: clinical testing. Allele origin: germline. Affected: no.

Genome-Nilou Lab
Classification: Benign for Spinal muscular atrophy-progressive myoclonic epilepsy syndrome. Last evaluated: 2021-07-14. Review status: criteria provided, single submitter. Criteria: ACMG Guidelines, 2015. Collection method: clinical testing. Allele origin: germline. Affected: no.

GeneDx
Classification: Benign. Last evaluated: 2018-06-19. Review status: criteria provided, single submitter. Criteria: GeneDx Variant Classification (06012015). Collection method: clinical testing. Allele origin: germline. Affected: yes.
Comment: This variant is considered likely benign or benign based on one or more of the following criteria: it is a conservative change, it occurs at a poorly conserved position in the protein, it is predicted to be benign by multiple in silico algorithms, and/or has population frequency not consistent with disease.

Breakthrough Genomics
Classification: Benign. Review status: criteria provided, single submitter. Criteria: ACMG Guidelines, 2015. Collection method: not provided. Allele origin: germline. Inheritance: Autosomal recessive inheritance. Affected: yes.

PreventionGenetics, part of Exact Sciences
Classification: Benign. Review status: criteria provided, single submitter. Criteria: ACMG Guidelines, 2015. Collection method: clinical testing. Allele origin: germline.

Mayo Clinic Laboratories, Mayo Clinic
Classification: Benign. Last evaluated: 2015-10-22. Review status: no assertion criteria provided. Collection method: clinical testing. Allele origin: unknown. Not counted in ClinVar's aggregate classification.

NM_177924.5(ASAH1):c.126-21A>G

Gene: ASAH1 (N-acylsphingosine amidohydrolase 1; minus strand). Cytogenetic location: 8p22.
Variant type: single nucleotide variant.
Coding change: c.126-21A>G on transcript NM_177924.5 (MANE Select); 21 bases into the intron before coding-DNA position 126, A replaced by G.
Molecular consequence: intron variant.
Genome position (GRCh38, 1-based): chr8:18,071,411, T>C on the plus strand (A>G on the coding strand, the complement: ASAH1 is on the minus strand). VCF-style: chr8-18071411-T-C. GRCh37 (hg19) VCF-style: chr8-17928920-T-C.
Other names: c.174-21A>G (NM_004315.6); c.195-21A>G (NM_001127505.3); c.-70-21A>G (NM_001363743.2).
Identifiers: ClinVar variation 259277 (VCV000259277.10), dbSNP rs12547845, ClinGen allele CA4651015.
Genomic context (GRCh38, chr8:18,071,411, plus strand): 5'-GTCAAGATTTATGGTGTACCATGGAACTGCACCTCTGTACCTGTAATGAGAGGTGTATCA[T>C]CTTGAAATGATGAAAGGGTTTTTTGTGAGGGTCAGTTAGATACATCTATAAGAATATATG-3'